The following is an entry in ClinVar:

ClinVar aggregate classification (germline): Benign/Likely benign. Review status: criteria provided, multiple submitters, no conflicts (2 of 4 stars). 4 submissions from 4 submitters: Benign (1); Likely benign (3). Last evaluated 2025-03-05.

Conditions:
Hereditary nonpolyposis colon cancer (HNPCC). Also called: Hereditary Nonpolyposis Colorectal Cancer Syndrome; Hereditary nonpolyposis colorectal cancer; Familial nonpolyposis colon cancer. Identifiers: Orphanet 443909, MedGen C1333990, MONDO:0018630. Disease mechanism: loss of function.
Familial cancer of breast. Also called: BREAST CANCER, FAMILIAL; Hereditary breast cancer; hereditary breast carcinoma. Identifiers: Orphanet 227535, MedGen C0346153, MONDO:0016419, OMIM 114480. Disease mechanism: loss of function.
Hereditary cancer-predisposing syndrome. Also called: Tumor predisposition; Hereditary Cancer Syndrome; Hereditary neoplastic syndrome; Neoplastic Syndromes, Hereditary. Identifiers: Orphanet 140162, MedGen C0027672, MeSH D009386, MONDO:0015356.

Submissions (4):

Labcorp Genetics (formerly Invitae), Labcorp
Classification: Likely benign for Familial cancer of breast. Last evaluated: 2025-03-05. Review status: criteria provided, single submitter. Criteria: Invitae Variant Classification Sherloc (09022015). Collection method: clinical testing. Allele origin: germline.

Myriad Genetics, Inc.
Classification: Benign for Familial cancer of breast. Last evaluated: 2024-10-07. Review status: criteria provided, single submitter. Criteria: Myriad Autosomal Dominant, Autosomal Recessive and X-Linked Classification Criteria (2023). Collection method: clinical testing. Allele origin: unknown.
Comment: This variant is considered benign. This variant is a silent/synonymous amino acid change and it is not expected to impact splicing.

Department of Pathology and Laboratory Medicine, Sinai Health System
Classification: Likely benign for hereditary nonpolyposis colon cancer. Last evaluated: 2022-12-20. Review status: criteria provided, single submitter. Criteria: ACMG Guidelines, 2015. Collection method: clinical testing. Allele origin: germline.

Ambry Genetics
Classification: Likely benign for Hereditary cancer-predisposing syndrome. Last evaluated: 2014-06-18. Review status: criteria provided, single submitter. Criteria: Ambry Variant Classification Scheme 2023. Collection method: clinical testing. Allele origin: germline.

NM_007194.4(CHEK2):c.1176G>T (p.Ala392=)

Gene: CHEK2 (checkpoint kinase 2; minus strand). Cytogenetic location: 22q12.1.
Variant type: single nucleotide variant.
Coding change: c.1176G>T on transcript NM_007194.4 (MANE Select); coding-DNA position 1176, G replaced by T.
Protein change: p.Ala392=; no amino-acid change (alanine 392 retained).
Molecular consequence: synonymous variant.
Genome position (GRCh38, 1-based): chr22:28,695,793, C>A on the plus strand (G>T on the coding strand, the complement: CHEK2 is on the minus strand). VCF-style: chr22-28695793-C-A. GRCh37 (hg19) VCF-style: chr22-29091781-C-A.
Other names: c.1305G>T, p.Ala435= (NM_001005735.3); c.513G>T, p.Ala171= (NM_001257387.3); c.975G>T, p.Ala325= (NM_001349956.3); c.1089G>T, p.Ala363= (NM_145862.3).
Identifiers: ClinVar variation 184124 (VCV000184124.16), dbSNP rs142692907, ClinGen allele CA187861.